The following is an entry in ClinVar:

NM_001042492.3(NF1):c.6148-18A>T

Gene: NF1 (neurofibromin 1; plus strand). Cytogenetic location: 17q11.2.
Variant type: single nucleotide variant.
Coding change: c.6148-18A>T on transcript NM_001042492.3 (MANE Select); 18 bases into the intron before coding-DNA position 6148, A replaced by T.
Molecular consequence: intron variant.
Genome position (GRCh38, 1-based): chr17:31,336,617, A>T. VCF-style: chr17-31336617-A-T. GRCh37 (hg19) VCF-style: chr17-29663635-A-T.
Other names: c.6085-18A>T (NM_000267.4).
Identifiers: ClinVar variation 3036587 (VCV003036587.5), dbSNP rs544123874, ClinGen allele CA8487321.

ClinVar aggregate classification (germline): Likely benign. Review status: criteria provided, multiple submitters, no conflicts (2 of 4 stars). 3 submissions from 3 submitters: Likely benign (2). 1 of the submissions does not count toward it. Last evaluated 2026-05-13.

Conditions:
Neurofibromatosis, type 1 (NF1). Also called: VON RECKLINGHAUSEN DISEASE; NEUROFIBROMATOSIS, TYPE I, SOMATIC; Neurofibromatosis, type I; Peripheral type neurofibromatosis. Identifiers: Orphanet 636, MedGen C0027831, MONDO:0018975, OMIM 162200. Disease mechanism: loss of function.
NF1-related disorder. Also called: NF1-related condition. Identifiers: MedGen CN379171.

Allele frequency attached by ClinVar (database versions not stated): ExAC 0.00008; gnomAD 0.00008; gnomAD exomes below 0.00001; 1000 Genomes Project 0.00040; TOPMed 0.00011; 1000 Genomes Project 30x 0.00031.
gnomAD v4.1: 17 of 1,578,488 alleles (0.0011%); highest among the groups gnomAD compares: African/African-American, 0.022%; no homozygotes.

Submissions (3):

Myriad Genetics, Inc.
Classification: Likely benign for Neurofibromatosis, type 1. Last evaluated: 2026-05-13. Review status: criteria provided, single submitter. Criteria: Myriad Autosomal Dominant, Autosomal Recessive and X-Linked Classification Criteria (2023). Collection method: clinical testing. Allele origin: unknown.
Comment: This variant is considered likely benign. This variant is intronic and is not expected to impact mRNA splicing.

Women's Health and Genetics/Laboratory Corporation of America, LabCorp
Classification: Likely benign. Last evaluated: 2024-02-08. Review status: criteria provided, single submitter. Criteria: LabCorp Variant Classification Summary - May 2015. Collection method: clinical testing. Allele origin: germline.
Comment: Variant summary: NF1 c.6085-18A>T alters a non-conserved nucleotide located at a position not widely known to affect splicing. Consensus agreement among computation tools predict no significant impact on normal splicing. However, these predictions have yet to be confirmed by functional studies. The variant allele was found at a frequency of 2e-05 in 203230 control chromosomes. The available data on variant occurrences in the general population are insufficient to allow any conclusion about variant significance. To our knowledge, no occurrence of c.6085-18A>T in individuals affected with Neurofibromatosis Type 1 and no experimental evidence demonstrating its impact on protein function have been reported. No submitters have cited clinical-significance assessments for this variant to ClinVar. Based on the evidence outlined above, the variant was classified as likely benign.

PreventionGenetics, part of Exact Sciences
Classification: Likely benign for NF1-related condition. Last evaluated: 2023-11-28. Review status: no assertion criteria provided. Collection method: clinical testing. Allele origin: germline. Not counted in ClinVar's aggregate classification.
Comment: This variant is classified as likely benign based on ACMG/AMP sequence variant interpretation guidelines (Richards et al. 2015 PMID: 25741868, with internal and published modifications).